The following is an entry in ClinVar:

ClinVar aggregate classification (germline): Pathogenic. Review status: criteria provided, multiple submitters, no conflicts (2 of 4 stars). 2 submissions from 2 submitters: Pathogenic (2). Last evaluated 2025-01-08.

Conditions:
Cardiovascular phenotype. Identifiers: MedGen CN230736.

Submissions (2):

Molecular Diagnostic Laboratory for Inherited Cardiovascular Disease, Montreal Heart Institute
Classification: Pathogenic for Cardiovascular phenotype. Last evaluated: 2025-01-08. Review status: criteria provided, single submitter. Criteria: ACMG Guidelines, 2015. Collection method: clinical testing. Allele origin: germline. Affected: yes.
Comment: PVS1, PS2, PM2

AiLife Diagnostics
Classification: Pathogenic. Last evaluated: 2021-04-23. Review status: criteria provided, single submitter. Criteria: ACMG Guidelines, 2015. Collection method: clinical testing. Allele origin: de novo. Affected: yes. Observed: 1 variant allele.

NM_000138.5(FBN1):c.708_726dup (p.Ala243fs)

Gene: FBN1 (fibrillin 1; minus strand). Cytogenetic location: 15q21.1.
Variant type: Duplication.
Coding change: c.708_726dup on transcript NM_000138.5 (MANE Select); coding-DNA positions 708 to 726, 19 bases duplicated (TCCAAATATCCGCACGGGA).
Protein change: p.Ala243fs; shifts the reading frame from alanine 243.
Molecular consequence: frameshift variant.
Genome position (GRCh38, 1-based): chr15:48,537,621-48,537,639, TCCCGTGCGGATATTTGGA duplicated on the plus strand (TCCAAATATCCGCACGGGA on the coding strand, the reverse complement: FBN1 is on the minus strand). VCF-style (leftmost placement, unchanged base first): chr15-48537620-C-CTCCCGTGCGGATATTTGGA. GRCh37 (hg19) VCF-style: chr15-48829817-C-CTCCCGTGCGGATATTTGGA.
Other names: c.708_726dup (NM_000138.4); short protein forms A243fs.
Identifiers: ClinVar variation 1678122 (VCV001678122.2), dbSNP rs2141357984, ClinGen allele CA2573150825.